The following is an entry in ClinVar:

NM_022114.4(PRDM16):c.3522-14G>A

Gene: PRDM16 (PR/SET domain 16; plus strand). Cytogenetic location: 1p36.32.
Variant type: single nucleotide variant.
Coding change: c.3522-14G>A on transcript NM_022114.4 (MANE Select); 14 bases into the intron before coding-DNA position 3522, G replaced by A.
Molecular consequence: intron variant.
Genome position (GRCh38, 1-based): chr1:3,431,952, G>A. VCF-style: chr1-3431952-G-A. GRCh37 (hg19) VCF-style: chr1-3348516-G-A.
Other names: c.3522-14G>A (NM_199454.3).
Identifiers: ClinVar variation 2413925 (VCV002413925.6), dbSNP rs374861357, ClinGen allele CA544901.
Genomic context (GRCh38, chr1:3,431,952, plus strand): 5'-CTTGCAGCATCAGAGAGGCGGCCAAGGCCAGGCTGCTGACAGCAGGCCTTCCCTCTCCCC[G>A]GTCATTGGTGCAGGTGTGCTGAGGACCACGAAGGCGGTCTGTTAGCTTTGGAGCCGATGC-3'

ClinVar aggregate classification (germline): Uncertain significance (1 of 4 stars; one submission).

Conditions:
Left ventricular noncompaction 8 (LVNC8). Identifiers: Orphanet 154, Orphanet 54260, MedGen C3809288, MONDO:0014152, OMIM 615373.

Allele frequency attached by ClinVar (database versions not stated): gnomAD 0.00001; ExAC 0.00003; TOPMed 0.00003; ESP Exome Variant Server 0.00008.
gnomAD v4.1: 20 of 1,608,060 alleles (0.0012%); highest among the groups gnomAD compares: Admixed American, 0.0067%; no homozygotes.

Submission:

Labcorp Genetics (formerly Invitae), Labcorp
Classification: Uncertain significance for Left ventricular noncompaction 8. Last evaluated: 2022-05-18. Review status: criteria provided, single submitter. Criteria: Invitae Variant Classification Sherloc (09022015). Collection method: clinical testing. Allele origin: germline.
Comment: In summary, the available evidence is currently insufficient to determine the role of this variant in disease. Therefore, it has been classified as a Variant of Uncertain Significance. Algorithms developed to predict the effect of sequence changes on RNA splicing suggest that this variant may disrupt the consensus splice site. This variant has not been reported in the literature in individuals affected with PRDM16-related conditions. This variant is present in population databases (rs374861357, gnomAD 0.01%). This sequence change falls in intron 15 of the PRDM16 gene. It does not directly change the encoded amino acid sequence of the PRDM16 protein.